The following is an entry in ClinVar:

NM_001142966.3(GREB1L):c.3085G>A (p.Asp1029Asn)

Gene: GREB1L (GREB1 like retinoic acid receptor coactivator; plus strand). Cytogenetic location: 18q11.1.
Variant type: single nucleotide variant.
Coding change: c.3085G>A on transcript NM_001142966.3 (MANE Select); coding-DNA position 3085, G replaced by A.
Protein change: p.Asp1029Asn; replaces aspartic acid 1029 with asparagine.
Molecular consequence: missense variant.
Genome position (GRCh38, 1-based): chr18:21,495,724, G>A. VCF-style: chr18-21495724-G-A. GRCh37 (hg19) VCF-style: chr18-19075685-G-A.
Other names: c.3085G>A (NM_001142966.1); c.3214G>A, p.Asp1072Asn (NM_001410867.1); c.2758G>A, p.Asp920Asn (NM_001410868.1); short protein forms D1029N, D1072N, D920N.
Identifiers: ClinVar variation 2444477 (VCV002444477.2), dbSNP rs1219524546, ClinGen allele CA401747518.

ClinVar aggregate classification (germline): Uncertain significance. Review status: criteria provided, multiple submitters, no conflicts (2 of 4 stars). 2 submissions from 2 submitters: Uncertain significance (2). Last evaluated 2026-02-17.

Conditions:
GREB1L-related disorder. Also called: GREB1L-related condition.
Mayer Rokitansky Kuster Hauser syndrome type 1 (MRKH). Identifiers: Orphanet 247775, MedGen C5566555, MONDO:0010173, OMIM 277000.

Allele frequency attached by ClinVar (database versions not stated): gnomAD 0.00001; TOPMed 0.00001; gnomAD exomes 0.00002.
gnomAD v4.1: 30 of 1,548,884 alleles (0.0019%); highest among the groups gnomAD compares: East Asian, 0.073%; no homozygotes.

Submissions (2):

PreventionGenetics, part of Exact Sciences
Classification: Uncertain significance for GREB1L-related condition. Last evaluated: 2026-02-17. Review status: criteria provided, single submitter. Criteria: ACMG Guidelines, 2015. Collection method: clinical testing. Allele origin: germline.
Comment: The GREB1L c.3085G>A variant is predicted to result in the amino acid substitution p.Asp1029Asn. This variant has been reported in an individual with Mayer-Rokitansky-Kuster-Hauser syndrome (Jolly et al. 2023. PubMed ID: 37124138). This variant is reported in 0.0092% of alleles in individuals of East Asian descent in gnomAD. At this time, the clinical significance of this variant is uncertain due to the absence of conclusive functional and genetic evidence.

Lupski Lab, Baylor-Hopkins CMG, Baylor College of Medicine
Classification: Uncertain significance for Mayer Rokitansky Kuster Hauser syndrome type 1. Last evaluated: 2023-03-13. Review status: criteria provided, single submitter. Criteria: ACMG Guidelines, 2015. Collection method: research. Allele origin: unknown. Affected: yes. Observed: 1 variant allele.